The following is an entry in ClinVar:

NM_130384.3(ATRIP):c.383T>C (p.Met128Thr)

Genes: ATRIP (ATR interacting protein; plus strand), ATRIP-TREX1 (ATRIP-TREX1 readthrough; plus strand). Cytogenetic location: 3p21.31.
Variant type: single nucleotide variant.
Coding change: c.383T>C on transcript NM_130384.3 (MANE Select); coding-DNA position 383, T replaced by C.
Protein change: p.Met128Thr; replaces methionine 128 with threonine.
Molecular consequence: missense variant. On other transcripts: non-coding transcript variant (1), initiator codon variant (1).
Genome position (GRCh38, 1-based): chr3:48,451,730, T>C. VCF-style: chr3-48451730-T-C. GRCh37 (hg19) VCF-style: chr3-48493136-T-C.
Other names: c.2T>C, p.Met1Thr (NM_001271022.2); c.104T>C, p.Met35Thr (NM_001271023.2); c.383T>C, p.Met128Thr (NM_032166.4); short protein forms M35T, M128T, M1T.
Identifiers: ClinVar variation 2547412 (VCV002547412.4), dbSNP rs770160806, ClinGen allele CA2375972.

ClinVar aggregate classification (germline): Uncertain significance (1 of 4 stars; one submission).

Allele frequency attached by ClinVar (database versions not stated): ExAC 0.00001; gnomAD 0.00001; gnomAD exomes 0.00001.

Submission:

Ambry Genetics
Classification: Uncertain significance. Last evaluated: 2024-12-06. Review status: criteria provided, single submitter. Criteria: Ambry Variant Classification Scheme 2023. Collection method: clinical testing. Allele origin: germline.
Comment: The p.M128T variant (also known as c.383T>C), located in coding exon 3 of the ATRIP gene, results from a T to C substitution at nucleotide position 383. The methionine at codon 128 is replaced by threonine, an amino acid with similar properties. This amino acid position is conserved. In addition, the in silico prediction for this alteration is inconclusive. Based on the available evidence, the clinical significance of this variant remains unclear.